The following is an entry in ClinVar:

NM_016284.5(CNOT1):c.4507G>A (p.Ala1503Thr)

Gene: CNOT1 (CCR4-NOT transcription complex subunit 1; minus strand). Cytogenetic location: 16q21.
Variant type: single nucleotide variant.
Coding change: c.4507G>A on transcript NM_016284.5 (MANE Select); coding-DNA position 4507, G replaced by A.
Protein change: p.Ala1503Thr; replaces alanine 1503 with threonine.
Molecular consequence: missense variant. On other transcripts: non-coding transcript variant (1).
Genome position (GRCh38, 1-based): chr16:58,542,496, C>T on the plus strand (G>A on the coding strand, the complement: CNOT1 is on the minus strand). VCF-style: chr16-58542496-C-T. GRCh37 (hg19) VCF-style: chr16-58576400-C-T.
Other names: c.4492G>A, p.Ala1498Thr (NM_001265612.2); c.4492G>A (NM_001265612.1); short protein forms A1498T, A1503T.
Identifiers: ClinVar variation 3366670 (VCV003366670.2).
Genomic context (GRCh38, chr16:58,542,496, plus strand): 5'-ATCTCTTGTCCATCTCAGGGCCTGCTTTTTCTACTGCAGTCTTCTGAATAAAACAGCAAG[C>T]CAACTCACAATTGTCCTGAGCTAATTGAGCAGCTGCCTGATCCATCATTTCTCTTTGTTG-3'
Protein context (NP_057368.3, residues 1493-1513): AQLAQDNCEL[Ala1503Thr]CCFIQKTAVE

ClinVar aggregate classification (germline): Uncertain significance. Review status: criteria provided, multiple submitters, no conflicts (2 of 4 stars). 2 submissions from 2 submitters: Uncertain significance (2). Last evaluated 2024-08-22.

gnomAD v4.1: 3 of 1,590,862 alleles (0.00019%); highest among the groups gnomAD compares: South Asian, 0.0011%; no homozygotes.

Submissions (2):

Women's Health and Genetics/Laboratory Corporation of America, LabCorp
Classification: Uncertain significance. Last evaluated: 2024-08-22. Review status: criteria provided, single submitter. Criteria: LabCorp Variant Classification Summary - May 2015. Collection method: clinical testing. Allele origin: germline.
Comment: Variant summary: CNOT1 c.4507G>A (p.Ala1503Thr) results in a non-conservative amino acid change located in the CCR4-NOT transcription complex subunit 1, domain 4 (IPR024557) of the encoded protein sequence. Four of five in-silico tools predict a damaging effect of the variant on protein function. The variant was absent in 251424 control chromosomes. The available data on variant occurrences in the general population are insufficient to allow any conclusion about variant significance. To our knowledge, no occurrence of c.4507G>A in individuals affected with Vissers-Bodmer Syndrome and no experimental evidence demonstrating its impact on protein function have been reported. No submitters have cited clinical-significance assessments for this variant to ClinVar. Based on the evidence outlined above, the variant was classified as uncertain significance.

GeneDx
Classification: Uncertain significance. Last evaluated: 2024-03-25. Review status: criteria provided, single submitter. Criteria: GeneDx Variant Classification Process June 2021. Collection method: clinical testing. Allele origin: germline. Affected: yes.
Comment: Not observed at significant frequency in large population cohorts (gnomAD); In silico analysis supports that this missense variant has a deleterious effect on protein structure/function; Has not been previously published as pathogenic or benign to our knowledge